The following is an entry in ClinVar:

NM_007126.5(VCP):c.1901T>A (p.Leu634His)

Gene: VCP (valosin containing protein; minus strand). Cytogenetic location: 9p13.3.
Variant type: single nucleotide variant.
Coding change: c.1901T>A on transcript NM_007126.5 (MANE Select); coding-DNA position 1901, T replaced by A.
Protein change: p.Leu634His; replaces leucine 634 with histidine.
Molecular consequence: missense variant.
Genome position (GRCh38, 1-based): chr9:35,059,596, A>T on the plus strand (T>A on the coding strand, the complement: VCP is on the minus strand). VCF-style: chr9-35059596-A-T. GRCh37 (hg19) VCF-style: chr9-35059593-A-T.
Other names: c.1766T>A, p.Leu589His (NM_001354927.2, NM_001354928.2); short protein forms L589H, L634H.
Identifiers: ClinVar variation 3767420 (VCV003767420.2).
Genomic context (GRCh38, chr9:35,059,596, plus strand): 5'-ACACGGGACTTCTCATCAGGAAGTGGGATGTAGATGAGCTGATCAAGACGGCCAGGTCTG[A>T]GGATGGCAGGATCAATGATGTCAGGCCGGTTGGTAGCGCCAATGATGAACACATTTTTTT-3'
Protein context (NP_009057.1, residues 624-644): NRPDIIDPAI[Leu634His]RPGRLDQLIY

ClinVar aggregate classification (germline): Uncertain significance (1 of 4 stars; one submission).

Submission:

GeneDx
Classification: Uncertain significance. Last evaluated: 2026-01-15. Review status: criteria provided, single submitter. Criteria: GeneDx Variant Classification Process June 2021. Collection method: clinical testing. Allele origin: germline.
Comment: Not observed at significant frequency in large population cohorts (gnomAD); In silico analysis supports that this missense variant has a deleterious effect on protein structure/function; Has not been previously published as pathogenic or benign to our knowledge; In silico analysis suggests this variant may impact gene splicing. In the absence of RNA/functional studies, the actual effect of this sequence change is unknown.